The following is an entry in ClinVar:

ClinVar aggregate classification (germline): Uncertain significance (1 of 4 stars; one submission).

Conditions:
Kabuki syndrome. Also called: NIIKAWA-KUROKI SYNDROME; Kabuki make-up syndrome. Identifiers: Orphanet 2322, MedGen C0796004, MONDO:0016512.

gnomAD v4.1: 1 of 1,613,848 alleles (0.000062%); highest among the groups gnomAD compares: African/African-American, 0.0013%; no homozygotes.

Submission:

Labcorp Genetics (formerly Invitae), Labcorp
Classification: Uncertain significance for Kabuki syndrome. Last evaluated: 2024-12-22. Review status: criteria provided, single submitter. Criteria: Invitae Variant Classification Sherloc (09022015). Collection method: clinical testing. Allele origin: germline.
Comment: This sequence change replaces lysine, which is basic and polar, with glutamic acid, which is acidic and polar, at codon 4024 of the KMT2D protein (p.Lys4024Glu). This variant is present in population databases (no rsID available, gnomAD 0.01%). This missense change has been observed in individual(s) with clinical features of Kabuki syndrome (PMID: 24633898, 30459467). Invitae Evidence Modeling of protein sequence and biophysical properties (such as structural, functional, and spatial information, amino acid conservation, physicochemical variation, residue mobility, and thermodynamic stability) indicates that this missense variant is not expected to disrupt KMT2D protein function with a negative predictive value of 95%. In summary, the available evidence is currently insufficient to determine the role of this variant in disease. Therefore, it has been classified as a Variant of Uncertain Significance.

Literature cited by the submitters: PubMed 24633898; PubMed 30459467.

NM_003482.4(KMT2D):c.12070A>G (p.Lys4024Glu)

Gene: KMT2D (lysine methyltransferase 2D; minus strand). Cytogenetic location: 12q13.12.
Variant type: single nucleotide variant.
Coding change: c.12070A>G on transcript NM_003482.4 (MANE Select); coding-DNA position 12070, A replaced by G.
Protein change: p.Lys4024Glu; replaces lysine 4024 with glutamic acid.
Molecular consequence: missense variant.
Genome position (GRCh38, 1-based): chr12:49,032,635, T>C on the plus strand (A>G on the coding strand, the complement: KMT2D is on the minus strand). VCF-style: chr12-49032635-T-C. GRCh37 (hg19) VCF-style: chr12-49426418-T-C.
Other names: short protein forms K4024E.
Identifiers: ClinVar variation 3721136 (VCV003721136.2).
Genomic context (GRCh38, chr12:49,032,635, plus strand): 5'-GTGTAGAGGGCCCCTCAGTGGCCTCTGAAGAAACGGCTGGGTCTACGGTGTTTTGTTCCT[T>C]GCCCGTCAGGAGGAGGGTTGGACCCAGGGCTCCAGGGCTAGAAAAGTGTTGAAGAGGCTT-3'
Protein context (NP_003473.3, residues 4014-4034): ALGPTLLLTG[Lys4024Glu]EQNTVDPAVS